The following is an entry in ClinVar:

NM_003738.5(PTCH2):c.1372G>T (p.Val458Leu)

Gene: PTCH2 (patched 2; minus strand). Cytogenetic location: 1p34.1.
Variant type: single nucleotide variant.
Coding change: c.1372G>T on transcript NM_003738.5 (MANE Select); coding-DNA position 1372, G replaced by T.
Protein change: p.Val458Leu; replaces valine 458 with leucine.
Molecular consequence: missense variant.
Genome position (GRCh38, 1-based): chr1:44,829,074, C>A on the plus strand (G>T on the coding strand, the complement: PTCH2 is on the minus strand). VCF-style: chr1-44829074-C-A. GRCh37 (hg19) VCF-style: chr1-45294746-C-A.
Other names: c.1372G>T, p.Val458Leu (NM_001166292.2); short protein forms V458L.
Identifiers: ClinVar variation 3632167 (VCV003632167.2).

ClinVar aggregate classification (germline): Uncertain significance (1 of 4 stars; one submission).

Conditions:
Gorlin syndrome. Also called: Nevoid Basal Cell Carcinoma Syndrome; Basal cell nevus syndrome. Identifiers: Orphanet 377, MedGen C0004779, MONDO:0007187.

gnomAD v4.1: 6 of 1,612,082 alleles (0.00037%); highest among the groups gnomAD compares: South Asian, 0.0066%; no homozygotes.

Submission:

Labcorp Genetics (formerly Invitae), Labcorp
Classification: Uncertain significance for Gorlin syndrome. Last evaluated: 2024-10-12. Review status: criteria provided, single submitter. Criteria: Invitae Variant Classification Sherloc (09022015). Collection method: clinical testing. Allele origin: germline.
Comment: This sequence change replaces valine, which is neutral and non-polar, with leucine, which is neutral and non-polar, at codon 458 of the PTCH2 protein (p.Val458Leu). This variant is present in population databases (no rsID available, gnomAD 0.01%). This variant has not been reported in the literature in individuals affected with PTCH2-related conditions. An algorithm developed to predict the effect of missense changes on protein structure and function (PolyPhen-2) suggests that this variant is likely to be tolerated. In summary, the available evidence is currently insufficient to determine the role of this variant in disease. Therefore, it has been classified as a Variant of Uncertain Significance.